The following is an entry in ClinVar:

ClinVar aggregate classification (germline): Benign/Likely benign. Review status: criteria provided, multiple submitters, no conflicts (2 of 4 stars). 18 submissions from 18 submitters: Benign (12); Likely benign (1). 5 of the submissions do not count toward it. Last evaluated 2026-02-04.

Conditions:
Hereditary cancer-predisposing syndrome. Also called: Tumor predisposition; Hereditary Cancer Syndrome; Hereditary neoplastic syndrome; Neoplastic Syndromes, Hereditary. Identifiers: Orphanet 140162, MedGen C0027672, MeSH D009386, MONDO:0015356.
Carcinoma of colon (CRC). Also called: Colon carcinoma; Colonic carcinoma. Identifiers: MedGen C0699790, MONDO:0002032.
Colorectal cancer, susceptibility to, 12 (CRCS12). Also called: COLORECTAL CANCER, SUSCEPTIBILITY TO, ON CHROMOSOME 12q24. Identifiers: Orphanet 220460, MedGen C3554460, MONDO:0014038, OMIM 615083.

Allele frequency attached by ClinVar (database versions not stated): ESP Exome Variant Server 0.01653; TOPMed 0.01809; 1000 Genomes Project 30x 0.02014; gnomAD 0.02051 and 0.02073; 1000 Genomes Project 0.02137; ExAC 0.02347; gnomAD exomes 0.02351.
gnomAD v4.1: 37,242 of 1,611,578 alleles (2.3%); highest among the groups gnomAD compares: East Asian, 2.9%; 531 homozygotes.

Submissions (18):

Labcorp Genetics (formerly Invitae), Labcorp
Classification: Benign. Last evaluated: 2026-02-04. Review status: criteria provided, single submitter. Criteria: Invitae Variant Classification Sherloc (09022015). Collection method: clinical testing. Allele origin: germline.

CeGaT Center for Human Genetics Tuebingen
Classification: Benign. Last evaluated: 2025-11-01. Review status: criteria provided, single submitter. Criteria: CeGaT Center For Human Genetics Tuebingen Variant Classification Criteria Version 2. Collection method: clinical testing. Allele origin: germline. Affected: yes. Observed: 1 variant allele.
Comment: POLE: BP4, BP7, BS1, BS2

Center for Genomic Medicine, Rigshospitalet, Copenhagen University Hospital
Classification: Benign. Last evaluated: 2025-03-04. Review status: criteria provided, single submitter. Criteria: ACMG Guidelines, 2015. Collection method: clinical testing. Allele origin: germline.

Institute for Biomarker Research, Medical Diagnostic Laboratories, L.L.C.
Classification: Benign for Hereditary cancer-predisposing syndrome. Last evaluated: 2025-01-20. Review status: criteria provided, single submitter. Criteria: ACMG Guidelines, 2015. Collection method: clinical testing. Allele origin: germline.
Comment: The synonymous variant NM_006231.4(POLE):c.2340G>A (p.Ser780=) has been reported to ClinVar as Benign with a status of (2 stars) criteria provided, multiple submitters, no conflicts (Variation ID 380225 as of 2025-01-02). The p.Ser780= variant is observed in 107/5,008 (2.1366%) alleles from individuals of 1kG All background in 1kG, indicating it is a common benign variant. The p.Ser780= variant is not predicted to disrupt an existing splice site. The p.Ser780= variant results in a substitution of a base that is not predicted conserved by GERP++ and PhyloP. For these reasons, this variant has been classified as Benign.

Blueprint Genetics
Classification: Likely benign. Last evaluated: 2024-11-27. Review status: criteria provided, single submitter. Criteria: ACMG Guidelines, 2015. Collection method: clinical testing. Allele origin: germline.

KCCC/NGS Laboratory, Kuwait Cancer Control Center
Classification: Benign for Colorectal cancer, susceptibility to, 12. Last evaluated: 2023-07-07. Review status: criteria provided, single submitter. Criteria: ACMG Guidelines, 2015. Collection method: clinical testing. Allele origin: germline. Affected: yes.

Mayo Clinic Laboratories, Mayo Clinic
Classification: Benign. Last evaluated: 2022-11-04. Review status: criteria provided, single submitter. Criteria: ACMG Guidelines, 2015. Collection method: clinical testing. Allele origin: germline. Observed: 42 variant alleles.
Comment: BS1, BS2, BP4, BP7

GeneDx
Classification: Benign. Last evaluated: 2016-12-01. Review status: criteria provided, single submitter. Criteria: GeneDx Variant Classification (06012015). Collection method: clinical testing. Allele origin: germline. Affected: yes.
Comment: This variant is considered likely benign or benign based on one or more of the following criteria: it is a conservative change, it occurs at a poorly conserved position in the protein, it is predicted to be benign by multiple in silico algorithms, and/or has population frequency not consistent with disease.

PreventionGenetics, part of Exact Sciences
Classification: Benign. Last evaluated: 2016-11-22. Review status: criteria provided, single submitter. Criteria: ACMG Guidelines, 2015. Collection method: clinical testing. Allele origin: germline.

Quest Diagnostics Nichols Institute San Juan Capistrano
Classification: Benign. Last evaluated: 2016-10-28. Review status: criteria provided, single submitter. Criteria: Quest Diagnostics criteria. Collection method: clinical testing. Allele origin: unknown.

Women's Health and Genetics/Laboratory Corporation of America, LabCorp
Classification: Benign. Last evaluated: 2016-05-24. Review status: criteria provided, single submitter. Criteria: LabCorp Variant Classification Summary - May 2015. Collection method: clinical testing. Allele origin: germline.
Comment: Variant summary: The POLE c.2340G>A (p.Ser780Ser) variant causes a synonymous change involving a non-conserved nucleotide with 4/5 splice prediction tools predicting no significant impact on splicing, while ESE finder predicts alterations to ESE binding sites. However, these predictions have yet to be functionally assessed. The variant of interest was observed in the large, broad control population, ExAC, with an allele frequency of 2835/120810 (40 homozygotes, 1/42, frequency: 0.0234666), which significantly exceeds the estimated maximal expected allele frequency for a pathogenic POLE variant of 1/70422 (0.0000142), suggesting this variant is likely a benign polymorphism. Therefore, taking all available lines of evidence into consideration, the variant of interest is classified as Benign.

Ambry Genetics
Classification: Benign for Hereditary cancer-predisposing syndrome. Last evaluated: 2015-05-19. Review status: criteria provided, single submitter. Criteria: Ambry Variant Classification Scheme 2023. Collection method: clinical testing. Allele origin: germline.

Breakthrough Genomics
Classification: Benign. Review status: criteria provided, single submitter. Criteria: ACMG Guidelines, 2015. Collection method: not provided. Allele origin: germline. Inheritance: Autosomal recessive inheritance. Affected: yes.

True Health Diagnostics
Classification: Likely benign for Hereditary cancer-predisposing syndrome. Last evaluated: 2018-02-28. Review status: no assertion criteria provided. Collection method: clinical testing. Allele origin: germline. Not counted in ClinVar's aggregate classification.

Clinical Genetics, Academic Medical Center
Classification: Benign. Review status: no assertion criteria provided. Collection method: clinical testing. Allele origin: germline. Affected: yes. Study: VKGL Data-share Consensus. Not counted in ClinVar's aggregate classification.

Department of Pathology and Laboratory Medicine, Sinai Health System
Classification: Benign for Carcinoma of colon. Review status: no assertion criteria provided. Collection method: clinical testing. Allele origin: unknown. Affected: yes. Observed: 1 variant allele. Study: The Canadian Open Genetics Repository (COGR). Not counted in ClinVar's aggregate classification.
Comment: The POLE p.Ser780= variant was not identified in the literature nor was it identified in the Cosmic and MutDB. The variant was identified in dbSNP (ID: rs5744822) â€šÃ„ÃºWith Benign ,Likely benign alleleâ€šÃ„Ã¹, ClinVar (classified benign by GeneDx, Invitae, Ambry Genetics and Quest Diagnostics Nichols Institute San Juan Capistrano), Clinvitae (3x) and in control databases in 6661 (103 homozygous) of 275298 chromosomes at a frequency of 0.02 increasing the likelihood this could be a low frequency benign variant (Genome Aggregation Database Feb 27, 2017). Breakdown of the observations by population include African in 95 (1 homozygous) of 24026 chromosomes (freq: 0.004), Other in 168 (1 homozygous) of 6440 chromosomes (freq: 0.03), Latino in 414 (2 homozygous) of 34414 chromosomes (freq: 0.01), European Non-Finnish in 3414 (47 homozygous) of 126558 chromosomes (freq: 0.03), Ashkenazi Jewish in 163 (1 homozygous) of 10146 chromosomes (freq: 0.02), East Asian in 624 (12 homozygous) of 18856 chromosomes (freq: 0.03), European Finnish in 1026 (27 homozygous) of 24078 chromosomes (freq: 0.04), and South Asian in 757 (12 homozygous) of 30780 chromosomes (freq: 0.02). The p.Ser780= variant is not expected to have clinical significance because it does not result in a change of amino acid and is not located in a known consensus splice site. 1 of 5 in silico or computational prediction software programs (SpliceSiteFinder, MaxEntScan, NNSPLICE, GeneSplicer, HumanSpliceFinder) predict a greater than 10% difference in splicing; this is not very predictive of pathogenicity. In summary, based on the above information this variant meets our laboratory's criteria to be classified as benign.

Genome Diagnostics Laboratory, Amsterdam University Medical Center
Classification: Benign. Review status: no assertion criteria provided. Collection method: clinical testing. Allele origin: germline. Affected: yes. Study: VKGL Data-share Consensus. Not counted in ClinVar's aggregate classification.

Laboratory of Diagnostic Genome Analysis, Leiden University Medical Center (LUMC)
Classification: Benign. Review status: no assertion criteria provided. Collection method: clinical testing. Allele origin: germline. Affected: yes. Study: VKGL Data-share Consensus. Not counted in ClinVar's aggregate classification.

NM_006231.4(POLE):c.2340G>A (p.Ser780=)

Gene: POLE (DNA polymerase epsilon, catalytic subunit; minus strand). Cytogenetic location: 12q24.33.
Variant type: single nucleotide variant.
Coding change: c.2340G>A on transcript NM_006231.4 (MANE Select); coding-DNA position 2340, G replaced by A.
Protein change: p.Ser780=; no amino-acid change (serine 780 retained).
Molecular consequence: synonymous variant.
Genome position (GRCh38, 1-based): chr12:132,665,430, C>T on the plus strand (G>A on the coding strand, the complement: POLE is on the minus strand). VCF-style: chr12-132665430-C-T. GRCh37 (hg19) VCF-style: chr12-133242016-C-T.
Other names: p.Ser780=.
Identifiers: ClinVar variation 380225 (VCV000380225.40), dbSNP rs5744822, ClinGen allele CA6893582.
Genomic context (GRCh38, chr12:132,665,430, plus strand): 5'-CAGCACCTCCATGTTCTTGCAGCGCTTCACCTCAGCCGCGTCGCCCACCTCCACGGCCGC[C>T]GAGAGCTTCTTTTTCCACACCTGAGAAGCACATGAACATGGAGCACCTCACAGATTCTTC-3'
Protein context (NP_006222.2, residues 770-790): GLHKVWKKKL[Ser780=]AAVEVGDAAE